The following is an entry in ClinVar:

ClinVar aggregate classification (germline): Benign. Review status: criteria provided, multiple submitters, no conflicts (2 of 4 stars). 3 submissions from 3 submitters: Benign (2). 1 of the submissions does not count toward it. Last evaluated 2025-06-12.

Conditions:
JAG2-related disorder. Also called: JAG2-related condition.

Allele frequency attached by ClinVar (database versions not stated): gnomAD exomes 0.00046 and 0.00108; 1000 Genomes Project 0.00319; gnomAD 0.00482 and 0.00534; ExAC 0.00140; 1000 Genomes Project 30x 0.00344; TOPMed 0.00534; ESP Exome Variant Server 0.00554.
gnomAD v4.1: 1,424 of 1,613,750 alleles (0.088%); highest among the groups gnomAD compares: African/African-American, 1.7%; 8 homozygotes.

Submissions (3):

Mayo Clinic Laboratories, Mayo Clinic
Classification: Benign. Last evaluated: 2025-06-12. Review status: criteria provided, single submitter. Criteria: ACMG Guidelines, 2015. Collection method: clinical testing. Allele origin: germline. Observed: 1 variant allele.
Comment: BS1, BS2

Labcorp Genetics (formerly Invitae), Labcorp
Classification: Benign. Last evaluated: 2018-05-24. Review status: criteria provided, single submitter. Criteria: Invitae Variant Classification Sherloc (09022015). Collection method: clinical testing. Allele origin: germline.

PreventionGenetics, part of Exact Sciences
Classification: Benign for JAG2-related condition. Last evaluated: 2024-03-08. Review status: no assertion criteria provided. Collection method: clinical testing. Allele origin: germline. Not counted in ClinVar's aggregate classification.
Comment: This variant is classified as benign based on ACMG/AMP sequence variant interpretation guidelines (Richards et al. 2015 PMID: 25741868, with internal and published modifications).

NM_002226.5(JAG2):c.890C>T (p.Thr297Ile)

Gene: JAG2 (jagged canonical Notch ligand 2; minus strand). Cytogenetic location: 14q32.33.
Variant type: single nucleotide variant.
Coding change: c.890C>T on transcript NM_002226.5 (MANE Select); coding-DNA position 890, C replaced by T.
Protein change: p.Thr297Ile; replaces threonine 297 with isoleucine.
Molecular consequence: missense variant.
Genome position (GRCh38, 1-based): chr14:105,152,190, G>A on the plus strand (C>T on the coding strand, the complement: JAG2 is on the minus strand). VCF-style: chr14-105152190-G-A. GRCh37 (hg19) VCF-style: chr14-105618527-G-A.
Other names: p.Thr297Ile; c.890C>T, p.Thr297Ile (NM_145159.3); short protein forms T297I.
Identifiers: ClinVar variation 791189 (VCV000791189.6), dbSNP rs61730146, ClinGen allele CA7386280.